The following is an entry in ClinVar:

NM_001166108.2(PALLD):c.*994A>G

Genes: PALLD (palladin, cytoskeletal associated protein; plus strand), CBR4 (carbonyl reductase 4; minus strand). Cytogenetic location: 4q32.3.
Variant type: single nucleotide variant.
Coding change: c.*994A>G on transcript NM_001166108.2 (MANE Select); 994 bases downstream of the stop codon, A replaced by G.
Molecular consequence: 3 prime UTR variant.
Genome position (GRCh38, 1-based): chr4:168,927,174, A>G. VCF-style: chr4-168927174-A-G. GRCh37 (hg19) VCF-style: chr4-169848325-A-G.
Other names: c.*789A>G (NM_001166109.2, NM_001166110.2, NM_001367568.1 and 1 more transcripts); c.*994A>G (NM_001367567.1, NM_001367570.1, NM_016081.4).
Identifiers: ClinVar variation 899418 (VCV000899418.4), dbSNP rs185646548, ClinGen allele CA109865489.

ClinVar aggregate classification (germline): Benign (1 of 4 stars; one submission).

Conditions:
Pancreatic cancer, susceptibility to, 1. Identifiers: Orphanet 1333, MedGen C1847351, MONDO:0011739, OMIM 606856.

Allele frequency attached by ClinVar (database versions not stated): gnomAD 0.00014 and 0.00019; gnomAD exomes 0.00016; TOPMed 0.00026; 1000 Genomes Project 0.00080; 1000 Genomes Project 30x 0.00094.
gnomAD v4.1: 40 of 229,774 alleles (0.017%); highest among the groups gnomAD compares: East Asian, 0.23%; 2 homozygotes.

Submission:

Illumina Laboratory Services, Illumina
Classification: Benign for Pancreatic cancer, susceptibility to, 1. Last evaluated: 2018-01-13. Review status: criteria provided, single submitter. Criteria: ICSL Variant Classification Criteria 13 December 2019. Collection method: clinical testing. Allele origin: germline.
Comment: This variant was observed in the ICSL laboratory as part of a predisposition screen in an ostensibly healthy population. It had not been previously curated by ICSL or reported in the Human Gene Mutation Database (HGMD: prior to June 1st, 2018), and was therefore a candidate for classification through an automated scoring system. Utilizing variant allele frequency, disease prevalence and penetrance estimates, and inheritance mode, an automated score was calculated to assess if this variant is too frequent to cause the disease. Based on the score and internal cut-off values, a variant classified as benign is not then subjected to further curation. The score for this variant resulted in a classification of benign for this disease.